The following is an entry in ClinVar:

NM_177438.3(DICER1):c.5247dup (p.Val1750fs)

Gene: DICER1 (dicer 1, ribonuclease III; minus strand). Cytogenetic location: 14q32.13.
Variant type: Duplication.
Coding change: c.5247dup on transcript NM_177438.3 (MANE Select); coding-DNA position 5247, one base duplicated (T; older notation c.5247dupT).
Protein change: p.Val1750fs; shifts the reading frame from valine 1750.
Molecular consequence: frameshift variant.
Genome position (GRCh38, 1-based): chr14:95,094,005, A duplicated on the plus strand (T on the coding strand, the reverse complement: DICER1 is on the minus strand). VCF-style (leftmost placement, unchanged base first): chr14-95094004-C-CA. GRCh37 (hg19) VCF-style: chr14-95560341-C-CA.
Other names: c.5247dup, p.Val1750fs (NM_030621.4, NM_001195573.1, NM_001271282.3 and 1 more transcripts); short protein forms V1750fs.
Identifiers: ClinVar variation 861255 (VCV000861255.9), dbSNP rs1890079630, ClinGen allele CA916081729.

ClinVar aggregate classification (germline): Pathogenic (1 of 4 stars; one submission).

Conditions:
DICER1-related tumor predisposition. Also called: DICER1 syndrome; DICER1-related pleuropulmonary blastoma cancer predisposition syndrome. Identifiers: Orphanet 284343, MedGen C3839822, MONDO:0100216.

Submission:

Labcorp Genetics (formerly Invitae), Labcorp
Classification: Pathogenic for DICER1-related tumor predisposition. Last evaluated: 2019-12-22. Review status: criteria provided, single submitter. Criteria: Invitae Variant Classification Sherloc (09022015). Collection method: clinical testing. Allele origin: germline.
Comment: This variant has not been reported in the literature in individuals with DICER1-related conditions. Loss-of-function variants in DICER1 are known to be pathogenic (PMID: 19556464, 21266384). For these reasons, this variant has been classified as Pathogenic. This variant is not present in population databases (ExAC no frequency). This sequence change creates a premature translational stop signal (p.Val1750Cysfs*15) in the DICER1 gene. It is expected to result in an absent or disrupted protein product.

Literature cited by the submitters: PubMed 19556464; PubMed 21266384.